The following is an entry in ClinVar:

NM_000804.4(FOLR3):c.201G>C (p.Thr67=)

Gene: FOLR3 (folate receptor gamma; plus strand). Cytogenetic location: 11q13.4.
Variant type: single nucleotide variant.
Coding change: c.201G>C on transcript NM_000804.4 (MANE Select); coding-DNA position 201, G replaced by C.
Protein change: p.Thr67=; no amino-acid change (threonine 67 retained).
Molecular consequence: synonymous variant. On other transcripts: missense variant (1), non-coding transcript variant (1).
Genome position (GRCh38, 1-based): chr11:72,138,993, G>C. VCF-style: chr11-72138993-G-C. GRCh37 (hg19) VCF-style: chr11-71850039-G-C.
Other names: c.-73G>C (NM_001318045.2); c.329G>C, p.Arg110Pro (NM_001412270.1); short protein forms R110P.
Identifiers: ClinVar variation 3048799 (VCV003048799.2), dbSNP rs373601622, ClinGen allele CA6168891.

ClinVar aggregate classification (germline): Benign (0 of 4 stars; one submission).

Conditions:
FOLR3-related disorder. Also called: FOLR3-related condition.

Allele frequency attached by ClinVar (database versions not stated): 1000 Genomes Project 30x 0.00203; 1000 Genomes Project 0.00220; ESP Exome Variant Server 0.00362.
gnomAD v4.1: 664 of 1,613,954 alleles (0.041%); highest among the groups gnomAD compares: African/African-American, 0.79%; 2 homozygotes.

Submission:

PreventionGenetics, part of Exact Sciences
Classification: Benign for FOLR3-related condition. Last evaluated: 2019-12-03. Review status: no assertion criteria provided. Collection method: clinical testing. Allele origin: germline.
Comment: This variant is classified as benign based on ACMG/AMP sequence variant interpretation guidelines (Richards et al. 2015 PMID: 25741868, with internal and published modifications).